The following is an entry in ClinVar:

ClinVar aggregate classification (germline): Uncertain significance (1 of 4 stars; one submission).

Submission:

GeneDx
Classification: Uncertain significance. Last evaluated: 2022-02-14. Review status: criteria provided, single submitter. Criteria: GeneDx Variant Classification Process June 2021. Collection method: clinical testing. Allele origin: germline. Affected: yes.
Comment: Not observed at significant frequency in large population cohorts (gnomAD); In silico analysis supports that this missense variant does not alter protein structure/function; Has not been previously published as pathogenic or benign to our knowledge

NM_014014.5(SNRNP200):c.2068G>A (p.Val690Met)

Gene: SNRNP200 (small nuclear ribonucleoprotein U5 subunit 200; minus strand). Cytogenetic location: 2q11.2.
Variant type: single nucleotide variant.
Coding change: c.2068G>A on transcript NM_014014.5 (MANE Select); coding-DNA position 2068, G replaced by A.
Protein change: p.Val690Met; replaces valine 690 with methionine.
Molecular consequence: missense variant.
Genome position (GRCh38, 1-based): chr2:96,293,064, C>T on the plus strand (G>A on the coding strand, the complement: SNRNP200 is on the minus strand). VCF-style: chr2-96293064-C-T. GRCh37 (hg19) VCF-style: chr2-96958802-C-T.
Other names: short protein forms V690M.
Identifiers: ClinVar variation 1700943 (VCV001700943.2), dbSNP rs2104352088, ClinGen allele CA347679443.